The following is an entry in ClinVar:

NM_001025356.3(ANO6):c.1612+6G>A

Gene: ANO6 (anoctamin 6; plus strand). Cytogenetic location: 12q12.
Variant type: single nucleotide variant.
Coding change: c.1612+6G>A on transcript NM_001025356.3 (MANE Select); 6 bases into the intron after coding-DNA position 1612, G replaced by A.
Molecular consequence: intron variant.
Genome position (GRCh38, 1-based): chr12:45,402,026, G>A. VCF-style: chr12-45402026-G-A. GRCh37 (hg19) VCF-style: chr12-45795809-G-A.
Other names: p.?; c.1612+6G>A (NM_001142679.2); c.1675+6G>A (NM_001204803.2); c.1558+6G>A (NM_001142678.2).
Identifiers: ClinVar variation 2078667 (VCV002078667.5), dbSNP rs569920324, ClinGen allele CA6525382.

ClinVar aggregate classification (germline): Benign. Review status: criteria provided, multiple submitters, no conflicts (2 of 4 stars). 2 submissions from 2 submitters: Benign (2). Last evaluated 2025-12-25.

Allele frequency attached by ClinVar (database versions not stated): TOPMed 0.00016; 1000 Genomes Project 0.00619; 1000 Genomes Project 30x 0.00640.
gnomAD v4.1: 2,358 of 1,608,916 alleles (0.15%); highest among the groups gnomAD compares: South Asian, 2.4%; 47 homozygotes.

Submissions (2):

Labcorp Genetics (formerly Invitae), Labcorp
Classification: Benign. Last evaluated: 2025-12-25. Review status: criteria provided, single submitter. Criteria: Invitae Variant Classification Sherloc (09022015). Collection method: clinical testing. Allele origin: germline.

Mayo Clinic Laboratories, Mayo Clinic
Classification: Benign. Last evaluated: 2025-05-02. Review status: criteria provided, single submitter. Criteria: ACMG Guidelines, 2015. Collection method: clinical testing. Allele origin: germline. Observed: 1 variant allele.
Comment: BS1, BS2, BP4, BP7